The following is an entry in ClinVar:

NM_000535.7(PMS2):c.780_782delinsGGG (p.Asp261Gly)

Gene: PMS2 (PMS1 homolog 2, mismatch repair system component; minus strand). Cytogenetic location: 7p22.1.
Variant type: Indel.
Coding change: c.780_782delinsGGG on transcript NM_000535.7 (MANE Select); coding-DNA positions 780 to 782, CGA replaced by GGG.
Protein change: p.Asp261Gly; replaces aspartic acid 261 with glycine.
Molecular consequence: missense variant. On other transcripts: 5 prime UTR variant (2), non-coding transcript variant (1), intron variant (3).
Genome position (GRCh38, 1-based): chr7:5,997,347-5,997,349, TCG replaced by CCC on the plus strand (CGA replaced by GGG on the coding strand, the reverse complement: PMS2 is on the minus strand). VCF-style: chr7-5997347-TCG-CCC. GRCh37 (hg19) VCF-style: chr7-6036978-TCG-CCC.
Other names: c.612_614delinsGGG, p.Asp205Gly (NM_001406874.1, NM_001406884.1); c.471_473delinsGGG, p.Asp158Gly (NM_001406875.1, NM_001406877.1, NM_001406878.1 and 6 more transcripts); c.462_464delinsGGG, p.Asp155Gly (NM_001406876.1, NM_001406883.1, NM_001322007.2 and 4 more transcripts); c.444_446delinsGGG, p.Asp149Gly (NM_001406885.1); c.375_377delinsGGG, p.Asp126Gly (NM_001406887.1, NM_001406888.1, NM_001406889.1 and 19 more transcripts); c.780_782delinsGGG, p.Asp261Gly (NM_001322006.2, NM_001322014.2, NM_001406870.1 and 3 more transcripts); c.-154_-152delinsGGG (NM_001322011.2, NM_001322012.2); c.207_209delinsGGG, p.Asp70Gly (NM_001322013.2, NM_001406909.1); and 7 more; short protein forms D126G, D149G, D155G, D158G, D205G, D225G, D261G, D269G.
Identifiers: ClinVar variation 4862108 (VCV004862108.1).

ClinVar aggregate classification (germline): Uncertain significance (1 of 4 stars; one submission).

Conditions:
Hereditary cancer-predisposing syndrome. Also called: Neoplastic Syndromes, Hereditary; Tumor predisposition; Hereditary Cancer Syndrome; Hereditary neoplastic syndrome. Identifiers: Orphanet 140162, MedGen C0027672, MeSH D009386, MONDO:0015356.

Submission:

Ambry Genetics
Classification: Uncertain significance for Hereditary cancer-predisposing syndrome. Last evaluated: 2026-04-23. Review status: criteria provided, single submitter. Criteria: Ambry Variant Classification Scheme 2023. Collection method: clinical testing. Allele origin: germline.
Comment: The c.780_782delCGAinsGGG variant, located in coding exon 7 of the PMS2 gene, results from an in-frame deletion of CGA and insertion of GGG at nucleotide positions 780 to 782. This results in the substitution of the aspartic acid residue for a glycine residue at codon 261, an amino acid with similar properties. This amino acid position is not well conserved in available vertebrate species. In addition, the in silico prediction for this variant is inconclusive (Choi Y et al. PLoS ONE. 2012; 7(10):e46688). Based on the available evidence, the clinical significance of this variant remains unclear.